The following is an entry in ClinVar:

ClinVar aggregate classification (germline): Conflicting classifications of pathogenicity. Review status: criteria provided, conflicting classifications (1 of 4 stars). 16 submissions from 14 submitters: Uncertain significance (7); Benign (1); Likely benign (8). Last evaluated 2026-03-09.

Conditions:
DSP-related disorder. Also called: DSP-related condition; DSP-related disorders.
Cardiovascular phenotype. Identifiers: MedGen CN230736.
Arrhythmogenic right ventricular dysplasia 8 (ARVD8). Also called: Arrhythmogenic Right Ventricular Dysplasia/Cardiomyopathy 8; ARRHYTHMOGENIC RIGHT VENTRICULAR DYSPLASIA, FAMILIAL, 8; ARRHYTHMOGENIC RIGHT VENTRICULAR CARDIOMYOPATHY 8. Identifiers: MedGen C1843896, MONDO:0011831, OMIM 607450.
Arrhythmogenic cardiomyopathy with wooly hair and keratoderma. Also called: Carvajal syndrome; Dilated cardiomyopathy with woolly hair and keratoderma; PALMOPLANTAR KERATODERMA WITH LEFT VENTRICULAR CARDIOMYOPATHY AND WOOLLY HAIR; Arrhythmogenic cardiomyopathy with woolly hair and keratoderma. Identifiers: Orphanet 65282, MedGen C1854063, MONDO:0011581, OMIM 605676.
Cardiomyopathy (CMYO). Also called: Cardiomyopathies. Identifiers: Orphanet 167848, MedGen C0878544, MONDO:0004994, HP:0001638. Inheritance: Various modes of inheritance.
Lethal acantholytic epidermolysis bullosa (EBLA). Identifiers: Orphanet 158687, MedGen C1864826, MONDO:0012323, OMIM 609638.
Woolly hair-skin fragility syndrome (WHSF). Identifiers: Orphanet 293165, MedGen C1843292, MONDO:0957307, OMIM 620415.

Allele frequency attached by ClinVar (database versions not stated): 1000 Genomes Project 0.00020; gnomAD 0.00020 and 0.00023; TOPMed 0.00025; gnomAD exomes 0.00032 and 0.00055; ExAC 0.00033; ESP Exome Variant Server 0.00069; 1000 Genomes Project 30x 0.00016.
gnomAD v4.1: 843 of 1,612,342 alleles (0.052%); highest among the groups gnomAD compares: Non-Finnish European, 0.063%; 3 homozygotes.

Submissions (16):

PreventionGenetics, part of Exact Sciences
Classification: Uncertain significance for DSP-related condition. Last evaluated: 2026-03-09. Review status: criteria provided, single submitter. Criteria: ACMG Guidelines, 2015. Collection method: clinical testing. Allele origin: germline.
Comment: The DSP c.8467C>G variant is predicted to result in the amino acid substitution p.Pro2823Ala. This variant has been reported in an individual with arrhythmogenic right ventricular dysplasia (Marschall et al. 2019. PubMed ID: 31737537) and in two individuals with hypertrophic cardiomyopathy (Supplementary Table 1, Lopes et al. 2015. PubMed ID: 25351510). However, limited clinical information was provided for these individuals. This variant was also reported in a study of actionable genotypes and their association with life span in the general Icelandic population (Table S16, Jensson. 2023. PubMed ID: 37937776). This variant is reported in 0.053% of alleles in individuals of European (Non-Finnish) descent in gnomAD, which may be too common to be causative. This variant has conflicting interpretations in ClinVar ranging from benign to likely benign to uncertain. Although we suspect that this variant may be benign, at this time, the clinical significance of this variant is uncertain due to the absence of conclusive functional and genetic evidence.

Labcorp Genetics (formerly Invitae), Labcorp
Classification: Benign for Arrhythmogenic cardiomyopathy with wooly hair and keratoderma; Arrhythmogenic right ventricular dysplasia 8. Last evaluated: 2026-01-14. Review status: criteria provided, single submitter. Criteria: Invitae Variant Classification Sherloc (09022015). Collection method: clinical testing. Allele origin: germline.

Blueprint Genetics
Classification: Likely benign. Last evaluated: 2024-10-31. Review status: criteria provided, single submitter. Criteria: ACMG Guidelines, 2015. Collection method: clinical testing. Allele origin: germline.

All of Us Research Program, National Institutes of Health
Classification: Likely benign for Arrhythmogenic cardiomyopathy with wooly hair and keratoderma. Last evaluated: 2024-09-25. Review status: criteria provided, single submitter. Criteria: ACMG Guidelines, 2015. Collection method: clinical testing. Allele origin: germline. Inheritance: Autosomal dominant inheritance. Observed: 129 variant alleles, 129 heterozygotes.
Comment: This study involves interpretation of variants in research participants for the purpose of population health screening. Participant phenotype was not available at the time of variant classification. Additional details can be found in publication PMID: 35346344, PMCID: PMC8962531

Women's Health and Genetics/Laboratory Corporation of America, LabCorp
Classification: Likely benign. Last evaluated: 2024-07-01. Review status: criteria provided, single submitter. Criteria: LabCorp Variant Classification Summary - May 2015. Collection method: clinical testing. Allele origin: germline.
Comment: Variant summary: DSP c.8467C>G (p.Pro2823Ala) results in a non-conservative amino acid change in the encoded protein sequence. Four of five in-silico tools predict a damaging effect of the variant on protein function. The variant allele was found at a frequency of 0.00032 in 248538 control chromosomes. The observed variant frequency is approximately 32 fold of the estimated maximal expected allele frequency for a pathogenic variant in DSP causing Arrhythmia phenotype (1e-05), strongly suggesting that the variant is benign. c.8467C>G has been reported in the literature in one individual affected with arrhythmogenic right ventricular cardiomyopathy and Icelanders from general population (Marschall_2019, Jensson_2023). This report does not provide unequivocal conclusions about association of the variant with Arrhythmia. To our knowledge, no experimental evidence demonstrating an impact on protein function has been reported. The following publications have been ascertained in the context of this evaluation (PMID: 24448499, 31737537). The following publications have been ascertained in the context of this evaluation (PMID: 24448499, 31737537, 37937776). ClinVar contains an entry for this variant (Variation ID: 44969). Based on the evidence outlined above, the variant was classified as likely benign.

GeneDx
Classification: Uncertain significance. Last evaluated: 2024-03-29. Review status: criteria provided, single submitter. Criteria: GeneDx Variant Classification Process June 2021. Collection method: clinical testing. Allele origin: germline. Affected: yes.
Comment: In silico analysis supports that this missense variant has a deleterious effect on protein structure/function; Reported in association with hypertrophic cardiomyopathy (HCM), sudden death and arrhythmogenic right ventricular cardiomyopathy (ARVC); however, clinical details and family history information were not available in all cases (PMID: 31737537, 25351510, 36964991; Bonaventura et al., 2018); This variant is associated with the following publications: (PMID: 24448499, 31737537, 25351510, 36964991, 29590070)

Victorian Clinical Genetics Services, Murdoch Childrens Research Institute
Classification: Likely benign for Arrhythmogenic right ventricular dysplasia 8. Last evaluated: 2023-07-17. Review status: criteria provided, single submitter. Criteria: ACMG Guidelines, 2015. Collection method: clinical testing. Allele origin: germline. Inheritance: Autosomal dominant inheritance.
Comment: Based on the classification scheme VCGS_Germline_v1.1.1, this variant is classified as likely benign. Following criteria are met: 0308 - Population frequency for this variant is out of keeping with known incidence of autosomal dominant arrhythmogenic right ventricular dysplasia 8 (MIM#607450), with 86 heterozygotes in gnomAD v2. (B) Legend: (SP) - Supporting pathogenic, (I) - Information, (SB) - Supporting benign

CHEO Genetics Diagnostic Laboratory, Children's Hospital of Eastern Ontario
Classification: Likely benign for Cardiomyopathy. Last evaluated: 2023-05-16. Review status: criteria provided, single submitter. Criteria: ACMG Guidelines, 2015. Collection method: clinical testing. Allele origin: germline.

Ambry Genetics
Classification: Likely benign for Cardiovascular phenotype. Last evaluated: 2021-09-07. Review status: criteria provided, single submitter. Criteria: Ambry Variant Classification Scheme 2023. Collection method: clinical testing. Allele origin: germline.

ARUP Laboratories, Molecular Genetics and Genomics, ARUP Laboratories
Classification: Uncertain significance. Last evaluated: 2021-03-02. Review status: criteria provided, single submitter. Criteria: ARUP Molecular Germline Variant Investigation Process 2021. Collection method: clinical testing. Allele origin: germline.
Comment: The DSP c.8467C>G; p.Pro2823Ala variant (rs142717240) is reported in the literature in a cohort of individuals affected with hypertrophic cardiomyopathy, although it was not demonstrated to be disease-causing (Lopes 2015). This variant is found in the non-Finnish European population with an overall allele frequency of 0.05% (68/127642 alleles) in the Genome Aggregation Database. The proline at codon 2823 is highly conserved, but computational analyses are uncertain whether this variant is neutral or deleterious (REVEL: 0.351). Due to limited information, the clinical significance of the p.Pro2823Ala variant is uncertain at this time. References: Lopes LR et al. Novel genotype-phenotype associations demonstrated by high-throughput sequencing in patients with hypertrophic cardiomyopathy. Heart. 2015 Feb;101(4):294-301.

Color Diagnostics, LLC DBA Color Health
Classification: Likely benign for Cardiomyopathy. Last evaluated: 2019-12-30. Review status: criteria provided, single submitter. Criteria: ACMG Guidelines, 2015. Collection method: clinical testing. Allele origin: germline.

Laboratory for Molecular Medicine, Mass General Brigham Personalized Medicine
Classification: Likely benign. Last evaluated: 2018-12-31. Review status: criteria provided, single submitter. Criteria: LMM Criteria. Collection method: clinical testing. Allele origin: germline. Observed: 5 variant alleles.
Comment: proposed classification - variant undergoing re-assessment, contact laboratory

Illumina Laboratory Services, Illumina
Classification: Uncertain significance for Arrhythmogenic right ventricular dysplasia 8. Last evaluated: 2018-01-13. Review status: criteria provided, single submitter. Criteria: ICSL Variant Classification Criteria 13 December 2019. Collection method: clinical testing. Allele origin: germline.

Illumina Laboratory Services, Illumina
Classification: Uncertain significance for Arrhythmogenic cardiomyopathy with wooly hair and keratoderma. Last evaluated: 2018-01-13. Review status: criteria provided, single submitter. Criteria: ICSL Variant Classification Criteria 13 December 2019. Collection method: clinical testing. Allele origin: germline.

Illumina Laboratory Services, Illumina
Classification: Uncertain significance for Lethal acantholytic epidermolysis bullosa. Last evaluated: 2018-01-13. Review status: criteria provided, single submitter. Criteria: ICSL Variant Classification Criteria 13 December 2019. Collection method: clinical testing. Allele origin: germline.

Eurofins Ntd Llc (ga)
Classification: Uncertain significance. Last evaluated: 2015-01-08. Review status: criteria provided, single submitter. Criteria: EGL Classification Definitions 2015. Collection method: clinical testing. Allele origin: germline. Observed: 1 variant allele, 1 heterozygote.

Literature cited by the submitters: PubMed 24448499 (cited by Women's Health and Genetics/Laboratory Corporation of America, LabCorp); PubMed 31737537 (cited by Women's Health and Genetics/Laboratory Corporation of America, LabCorp and Ambry Genetics); PubMed 37937776 (cited by Women's Health and Genetics/Laboratory Corporation of America, LabCorp); PubMed 25351510 (cited by Ambry Genetics); PubMed 29590070 (cited by Ambry Genetics).

NM_004415.4(DSP):c.8467C>G (p.Pro2823Ala)

Gene: DSP (desmoplakin; plus strand). Cytogenetic location: 6p24.3.
Variant type: single nucleotide variant.
Coding change: c.8467C>G on transcript NM_004415.4 (MANE Select); coding-DNA position 8467, C replaced by G.
Protein change: p.Pro2823Ala; replaces proline 2823 with alanine.
Molecular consequence: missense variant.
Genome position (GRCh38, 1-based): chr6:7,585,729, C>G. VCF-style: chr6-7585729-C-G. GRCh37 (hg19) VCF-style: chr6-7585962-C-G.
Other names: p.P2823A:CCG>GCG; c.6670C>G, p.Pro2224Ala (NM_001008844.3); c.7138C>G, p.Pro2380Ala (NM_001319034.2); short protein forms P2823A, P2224A, P2380A.
Identifiers: ClinVar variation 44969 (VCV000044969.43), dbSNP rs142717240, ClinGen allele CA007575.